The following is an entry in ClinVar:

ClinVar aggregate classification (germline): Uncertain significance (1 of 4 stars; one submission).

Conditions:
Hypertrophic cardiomyopathy 20. Identifiers: MedGen C3151267, MONDO:0013477, OMIM 613876.
Dilated cardiomyopathy 1CC (CMD1CC). Identifiers: Orphanet 154, MedGen C2751084, MONDO:0013147, OMIM 613122.

Submission:

Labcorp Genetics (formerly Invitae), Labcorp
Classification: Uncertain significance for Dilated cardiomyopathy 1CC; Hypertrophic cardiomyopathy 20. Last evaluated: 2025-07-06. Review status: criteria provided, single submitter. Criteria: Invitae Variant Classification Sherloc (09022015). Collection method: clinical testing. Allele origin: germline.
Comment: This sequence change creates a premature translational stop signal (p.Glu556Glyfs*7) in the NEXN gene. While this is not anticipated to result in nonsense mediated decay, it is expected to disrupt the last 120 amino acid(s) of the NEXN protein. This variant is not present in population databases (gnomAD no frequency). This variant has not been reported in the literature in individuals affected with NEXN-related conditions. Experimental studies and prediction algorithms are not available or were not evaluated, and the functional significance of this variant is currently unknown. In summary, the available evidence is currently insufficient to determine the role of this variant in disease. Therefore, it has been classified as a Variant of Uncertain Significance.

NM_144573.4(NEXN):c.1667_1671del (p.Glu556fs)

Gene: NEXN (nexilin F-actin binding protein; plus strand). Cytogenetic location: 1p31.1.
Variant type: Microsatellite.
Coding change: c.1667_1671del on transcript NM_144573.4 (MANE Select); coding-DNA positions 1667 to 1671, 5 bases deleted (AAGAG; older notation c.1667_1671delAAGAG).
Protein change: p.Glu556fs; shifts the reading frame from glutamic acid 556.
Molecular consequence: frameshift variant.
Genome position (GRCh38, 1-based): chr1:77,942,468-77,942,472, AAGAG deleted; deleting any 5 consecutive bases within chr1:77,942,463-77,942,472 gives the same sequence; the c. name uses the placement nearest the transcript's 3' end. VCF-style (leftmost placement, unchanged base first): chr1-77942462-AAAGAG-A. GRCh37 (hg19) VCF-style: chr1-78408147-AAAGAG-A.
Other names: c.1475_1479del, p.Glu492fs (NM_001172309.2); short protein forms E492fs, E556fs.
Identifiers: ClinVar variation 4794337 (VCV004794337.1).